The following is an entry in ClinVar:

NM_000059.4(BRCA2):c.9383dup (p.Pro3129fs)

Gene: BRCA2 (BRCA2 DNA repair associated; plus strand). Cytogenetic location: 13q13.1.
Variant type: Duplication.
Coding change: c.9383dup on transcript NM_000059.4 (MANE Select); coding-DNA position 9383, one base duplicated (G; older notation c.9383dupG).
Protein change: p.Pro3129fs; shifts the reading frame from proline 3129.
Molecular consequence: frameshift variant.
Genome position (GRCh38, 1-based): chr13:32,394,815, G duplicated. VCF-style (leftmost placement, unchanged base first): chr13-32394814-C-CG. GRCh37 (hg19) VCF-style: chr13-32968951-C-CG.
Other names: c.9383dupG (NM_000059.3); short protein forms P3129fs.
Identifiers: ClinVar variation 548426 (VCV000548426.1), dbSNP rs1555289573, ClinGen allele CA658823574.

ClinVar aggregate classification (germline): Pathogenic (3 of 4 stars; one submission).

Conditions:
Breast-ovarian cancer, familial, susceptibility to, 2 (BROVCA2). Also called: BRCA2 Hereditary Breast and Ovarian Cancer. Identifiers: Orphanet 145, MedGen C2675520, MONDO:0012933, OMIM 612555. Disease mechanism: loss of function.

Submission:

Evidence-based Network for the Interpretation of Germline Mutant Alleles (ENIGMA)
Classification: Pathogenic for Breast-ovarian cancer, familial, susceptibility to, 2. Last evaluated: 2017-12-15. Review status: reviewed by expert panel. Criteria: ENIGMA BRCA1/2 Classification Criteria (2017-06-29). Collection method: curation. Allele origin: germline. Study: ENIGMA.
Comment: Variant allele predicted to encode a truncated non-functional protein.